The following is an entry in ClinVar:

NM_001267550.2(TTN):c.51569del (p.Gly17190fs)

Genes: TTN (titin; minus strand), TTN-AS1 (TTN antisense RNA 1; plus strand). Cytogenetic location: 2q31.2.
Variant type: Deletion.
Coding change: c.51569del on transcript NM_001267550.2 (MANE Select); coding-DNA position 51569, one base deleted (G; older notation c.51569delG).
Protein change: p.Gly17190fs; shifts the reading frame from glycine 17190.
Molecular consequence: frameshift variant.
Genome position (GRCh38, 1-based): chr2:178,609,854, C deleted on the plus strand (G on the coding strand, the reverse complement: TTN is on the minus strand); the first of 3 consecutive C bases (chr2:178,609,854-178,609,856); deleting any one gives the same sequence. VCF-style (leftmost placement, unchanged base first): chr2-178609853-AC-A. GRCh37 (hg19) VCF-style: chr2-179474580-AC-A.
Other names: c.46646del, p.Gly15549fs (NM_001256850.1); c.24374del, p.Gly8125fs (NM_003319.4); c.43865del, p.Gly14622fs (NM_133378.4); c.24749del, p.Gly8250fs (NM_133432.3); c.24950del, p.Gly8317fs (NM_133437.4); short protein forms G14622fs, G15549fs, G8317fs, G8125fs, G8250fs, G17190fs.
Identifiers: ClinVar variation 4786608 (VCV004786608.1).

ClinVar aggregate classification (germline): Likely pathogenic (1 of 4 stars; one submission).

Conditions:
Autosomal recessive limb-girdle muscular dystrophy type 2J (LGMDR10). Also called: Limb-girdle muscular dystrophy, type 2J; MUSCULAR DYSTROPHY, LIMB-GIRDLE, AUTOSOMAL RECESSIVE 10. Identifiers: Orphanet 140922, MedGen C1837342, MONDO:0012127, OMIM 608807.
Dilated cardiomyopathy 1G (CMD1G). Identifiers: Orphanet 154, MedGen C1858763, MONDO:0011400, OMIM 604145.

Submission:

Labcorp Genetics (formerly Invitae), Labcorp
Classification: Likely pathogenic for Dilated cardiomyopathy 1G; Autosomal recessive limb-girdle muscular dystrophy type 2J. Last evaluated: 2025-11-05. Review status: criteria provided, single submitter. Criteria: Invitae Variant Classification Sherloc (09022015). Collection method: clinical testing. Allele origin: germline.
Comment: This sequence change creates a premature translational stop signal (p.Gly17190Valfs*16) in the TTN gene. While this is not anticipated to result in nonsense mediated decay, it is expected to create a truncated TTN protein. This variant is not present in population databases (gnomAD no frequency). This variant has not been reported in the literature in individuals affected with TTN-related conditions. This variant is located in the A band of TTN (PMID: 25589632). Truncating variants in this region are significantly overrepresented in patients affected with dilated cardiomyopathy (PMID: 25589632). Truncating variants in this region have also been reported in individuals affected with autosomal recessive centronuclear myopathy (PMID: 23975875). In summary, the currently available evidence indicates that the variant is pathogenic, but additional data are needed to prove that conclusively. Therefore, this variant has been classified as Likely Pathogenic.

Literature cited by the submitters: PubMed 25589632; PubMed 23975875.